The following is an entry in ClinVar:

ClinVar aggregate classification (germline): Likely benign. Review status: criteria provided, multiple submitters, no conflicts (2 of 4 stars). 3 submissions from 3 submitters: Likely benign (2). 1 of the submissions does not count toward it. Last evaluated 2024-03-14.

Conditions:
TTC21B-related disorder. Also called: TTC21B-related disorders; TTC21B-related condition.
Jeune thoracic dystrophy. Also called: Jeune syndrome; Infantile thoracic dystrophy; Thoracic pelvic phalangeal dystrophy; Jeune's syndrome; Chondroectodermal dysplasia-like syndrome; Short-rib thoracic dysplasia. Identifiers: Orphanet 474, MedGen C0265275, MONDO:0018770.
Nephronophthisis. Also called: Juvenile Nephronophthisis. Identifiers: Orphanet 655, MedGen C0687120, MONDO:0019005, HP:0000090.

Allele frequency attached by ClinVar (database versions not stated): ExAC 0.00001; gnomAD exomes 0.00001; gnomAD 0.00006; TOPMed 0.00006.

Submissions (3):

Blueprint Genetics
Classification: Likely benign. Last evaluated: 2024-03-14. Review status: criteria provided, single submitter. Criteria: ACMG Guidelines, 2015. Collection method: clinical testing. Allele origin: germline.

Labcorp Genetics (formerly Invitae), Labcorp
Classification: Likely benign for Jeune thoracic dystrophy; Nephronophthisis. Last evaluated: 2023-12-27. Review status: criteria provided, single submitter. Criteria: Invitae Variant Classification Sherloc (09022015). Collection method: clinical testing. Allele origin: germline.

PreventionGenetics, part of Exact Sciences
Classification: Likely benign for TTC21B-related condition. Last evaluated: 2020-05-04. Review status: no assertion criteria provided. Collection method: clinical testing. Allele origin: germline. Not counted in ClinVar's aggregate classification.
Comment: This variant is classified as likely benign based on ACMG/AMP sequence variant interpretation guidelines (Richards et al. 2015 PMID: 25741868, with internal and published modifications).

NM_024753.5(TTC21B):c.1900-4A>G

Gene: TTC21B (tetratricopeptide repeat domain 21B; minus strand). Cytogenetic location: 2q24.3.
Variant type: single nucleotide variant.
Coding change: c.1900-4A>G on transcript NM_024753.5 (MANE Select); 4 bases into the intron before coding-DNA position 1900, A replaced by G.
Molecular consequence: intron variant.
Genome position (GRCh38, 1-based): chr2:165,915,443, T>C on the plus strand (A>G on the coding strand, the complement: TTC21B is on the minus strand). VCF-style: chr2-165915443-T-C. GRCh37 (hg19) VCF-style: chr2-166771953-T-C.
Other names: c.1900-4A>G (NM_024753.4).
Identifiers: ClinVar variation 2064345 (VCV002064345.7), dbSNP rs757974453, ClinGen allele CA1941978.